The following is an entry in ClinVar:

ClinVar aggregate classification (germline): Uncertain significance (1 of 4 stars; one submission).

Conditions:
Smith-Lemli-Opitz syndrome (SLOS). Also called: LETHAL ACRODYSGENITAL SYNDROME; 7-Dehydrocholesterol reductase deficiency; POLYDACTYLY, SEX REVERSAL, RENAL HYPOPLASIA, AND UNILOBAR LUNG; RSH SYNDROME; RUTLEDGE LETHAL MULTIPLE CONGENITAL ANOMALY SYNDROME. Identifiers: Orphanet 818, MedGen C0175694, MONDO:0010035, OMIM 270400.

Submission:

Labcorp Genetics (formerly Invitae), Labcorp
Classification: Uncertain significance for Smith-Lemli-Opitz syndrome. Last evaluated: 2026-01-20. Review status: criteria provided, single submitter. Criteria: Invitae Variant Classification Sherloc (09022015). Collection method: clinical testing. Allele origin: germline.
Comment: This sequence change replaces glycine, which is neutral and non-polar, with arginine, which is basic and polar, at codon 70 of the DHCR7 protein (p.Gly70Arg). Information on the frequency of this variant in the gnomAD database is not available, as this variant may be reported differently in the database. This variant has not been reported in the literature in individuals affected with DHCR7-related conditions. ClinVar contains an entry for this variant (Variation ID: 1427191). Experimental studies and prediction algorithms are not available or were not evaluated, and the functional significance of this variant is currently unknown. In summary, the available evidence is currently insufficient to determine the role of this variant in disease. Therefore, it has been classified as a Variant of Uncertain Significance.

NM_001360.3(DHCR7):c.207_208delinsCC (p.Gly70Arg)

Gene: DHCR7 (7-dehydrocholesterol reductase; minus strand). Cytogenetic location: 11q13.4.
Variant type: Indel.
Coding change: c.207_208delinsCC on transcript NM_001360.3 (MANE Select); coding-DNA positions 207 to 208, TG replaced by CC.
Protein change: p.Gly70Arg; replaces glycine 70 with arginine.
Molecular consequence: missense variant.
Genome position (GRCh38, 1-based): chr11:71,444,106-71,444,107, CA replaced by GG on the plus strand (TG replaced by CC on the coding strand, the reverse complement: DHCR7 is on the minus strand). VCF-style: chr11-71444106-CA-GG. GRCh37 (hg19) VCF-style: chr11-71155152-CA-GG.
Other names: c.207_208delinsCC, p.Gly70Arg (NM_001163817.2); short protein forms G70R.
Identifiers: ClinVar variation 1427191 (VCV001427191.4), dbSNP rs2120355002, ClinGen allele CA2573147617.